The following is an entry in ClinVar:

ClinVar aggregate classification (germline): Uncertain significance. Review status: criteria provided, multiple submitters, no conflicts (2 of 4 stars). 2 submissions from 2 submitters: Uncertain significance (2). Last evaluated 2022-12-19.

Conditions:
Inborn genetic diseases. Identifiers: MedGen C0950123, MeSH D030342.

Allele frequency attached by ClinVar (database versions not stated): gnomAD exomes below 0.00001; ExAC 0.00002; gnomAD 0.00003; TOPMed 0.00005.
gnomAD v4.1: 6 of 1,613,658 alleles (0.00037%); highest among the groups gnomAD compares: African/African-American, 0.008%; no homozygotes.

Submissions (2):

Ambry Genetics
Classification: Uncertain significance for Inborn genetic diseases. Last evaluated: 2022-12-19. Review status: criteria provided, single submitter. Criteria: Ambry Variant Classification Scheme 2023. Collection method: clinical testing. Allele origin: germline.

Labcorp Genetics (formerly Invitae), Labcorp
Classification: Uncertain significance. Last evaluated: 2022-10-13. Review status: criteria provided, single submitter. Criteria: Invitae Variant Classification Sherloc (09022015). Collection method: clinical testing. Allele origin: germline.
Comment: This sequence change replaces isoleucine, which is neutral and non-polar, with threonine, which is neutral and polar, at codon 631 of the ABCC6 protein (p.Ile631Thr). In summary, the available evidence is currently insufficient to determine the role of this variant in disease. Therefore, it has been classified as a Variant of Uncertain Significance. Advanced modeling of protein sequence and biophysical properties (such as structural, functional, and spatial information, amino acid conservation, physicochemical variation, residue mobility, and thermodynamic stability) has been performed at Invitae for this missense variant, however the output from this modeling did not meet the statistical confidence thresholds required to predict the impact of this variant on ABCC6 protein function. This variant has not been reported in the literature in individuals affected with ABCC6-related conditions. This variant is present in population databases (rs763622746, gnomAD 0.01%).

NM_001171.6(ABCC6):c.1892T>C (p.Ile631Thr)

Gene: ABCC6 (ATP binding cassette subfamily C member 6; minus strand). Cytogenetic location: 16p13.11.
Variant type: single nucleotide variant.
Coding change: c.1892T>C on transcript NM_001171.6 (MANE Select); coding-DNA position 1892, T replaced by C.
Protein change: p.Ile631Thr; replaces isoleucine 631 with threonine.
Molecular consequence: missense variant. On other transcripts: non-coding transcript variant (1).
Genome position (GRCh38, 1-based): chr16:16,185,010, A>G on the plus strand (T>C on the coding strand, the complement: ABCC6 is on the minus strand). VCF-style: chr16-16185010-A-G. GRCh37 (hg19) VCF-style: chr16-16278867-A-G.
Other names: c.1550T>C, p.Ile517Thr (NM_001351800.1); short protein forms I631T, I517T.
Identifiers: ClinVar variation 1935476 (VCV001935476.5), dbSNP rs763622746, ClinGen allele CA7926112.